The following is an entry in ClinVar:

NM_006441.4(MTHFS):c.377C>T (p.Thr126Ile)

Genes: MTHFS (methenyltetrahydrofolate synthetase; minus strand), ST20-MTHFS (ST20-MTHFS readthrough; minus strand). Cytogenetic location: 15q25.1.
Variant type: single nucleotide variant.
Coding change: c.377C>T on transcript NM_006441.4 (MANE Select); coding-DNA position 377, C replaced by T.
Protein change: p.Thr126Ile; replaces threonine 126 with isoleucine.
Molecular consequence: missense variant. On other transcripts: non-coding transcript variant (1).
Genome position (GRCh38, 1-based): chr15:79,889,095, G>A on the plus strand (C>T on the coding strand, the complement: MTHFS is on the minus strand). VCF-style: chr15-79889095-G-A. GRCh37 (hg19) VCF-style: chr15-80181437-G-A.
Other names: c.305C>T, p.Thr102Ile (NM_001199760.2); c.206C>T, p.Thr69Ile (NM_001199758.1); short protein forms T102I, T69I, T126I.
Identifiers: ClinVar variation 2064299 (VCV002064299.4), dbSNP rs1314153447, ClinGen allele CA393609367.
Genomic context (GRCh38, chr15:79,889,095, plus strand): 5'-GATCTGAGATCTAACAACTGGTCATAATCTAACAACATCCTAACACCATAATACTCACCT[G>A]TGGACAAGGCCTCCTCCCGAACATCACCCTCACCAGGCTGAGGGATATTCCAGGATGTTT-3'
Protein context (NP_006432.1, residues 116-136): EGDVREEALS[Thr126Ile]GGLDLIFMPG

ClinVar aggregate classification (germline): Uncertain significance (1 of 4 stars; one submission).

Allele frequency attached by ClinVar (database versions not stated): gnomAD exomes below 0.00001; gnomAD 0.00001; TOPMed 0.00002.
gnomAD v4.1: 6 of 1,613,986 alleles (0.00037%); highest among the groups gnomAD compares: Admixed American, 0.0033%; no homozygotes.

Submission:

Labcorp Genetics (formerly Invitae), Labcorp
Classification: Uncertain significance. Last evaluated: 2022-05-12. Review status: criteria provided, single submitter. Criteria: Invitae Variant Classification Sherloc (09022015). Collection method: clinical testing. Allele origin: germline.
Comment: This variant is not present in population databases (gnomAD no frequency). This sequence change replaces threonine, which is neutral and polar, with isoleucine, which is neutral and non-polar, at codon 126 of the MTHFS protein (p.Thr126Ile). This variant has not been reported in the literature in individuals affected with MTHFS-related conditions. Algorithms developed to predict the effect of missense changes on protein structure and function are either unavailable or do not agree on the potential impact of this missense change (SIFT: "Deleterious"; PolyPhen-2: "Possibly Damaging"; Align-GVGD: "Class C0"). In summary, the available evidence is currently insufficient to determine the role of this variant in disease. Therefore, it has been classified as a Variant of Uncertain Significance.